The following is an entry in ClinVar:

NM_002184.4(IL6ST):c.2121T>G (p.Asp707Glu)

Gene: IL6ST (interleukin 6 cytokine family signal transducer; minus strand). Cytogenetic location: 5q11.2.
Variant type: single nucleotide variant.
Coding change: c.2121T>G on transcript NM_002184.4 (MANE Select); coding-DNA position 2121, T replaced by G.
Protein change: p.Asp707Glu; replaces aspartic acid 707 with glutamic acid.
Molecular consequence: missense variant. On other transcripts: 3 prime UTR variant (1), non-coding transcript variant (2).
Genome position (GRCh38, 1-based): chr5:55,941,718, A>C on the plus strand (T>G on the coding strand, the complement: IL6ST is on the minus strand). VCF-style: chr5-55941718-A-C. GRCh37 (hg19) VCF-style: chr5-55237546-A-C.
Other names: c.1938T>G, p.Asp646Glu (NM_001190981.2); c.2019T>G, p.Asp673Glu (NM_001364275.2); c.1911T>G, p.Asp637Glu (NM_001364276.2); c.1254T>G, p.Asp418Glu (NM_001364277.2); c.1218T>G, p.Asp406Glu (NM_001364278.2); c.1125T>G, p.Asp375Glu (NM_001364279.2); c.*1048T>G (NM_175767.3); c.2121T>G (NM_002184.3); short protein forms D673E, D707E, D375E, D418E, D646E, D406E, D637E.
Identifiers: ClinVar variation 1404918 (VCV001404918.32), dbSNP rs368730281, ClinGen allele CA3271198.
Genomic context (GRCh38, chr5:55,941,718, plus strand): 5'-ACCACTGCTGTGTCCTTCAGTATTAATTTTTTCCTTTTTGAACAGGTCCAATGATTTCAG[A>C]TCTTCTGGAAAAGGCTTTTTGTCATTTGCTTCTATTTCCACAACACTTACATCAGTGAAA-3'
Protein context (NP_002175.2, residues 697-717): EANDKKPFPE[Asp707Glu]LKSLDLFKKE

ClinVar aggregate classification (germline): Uncertain significance. Review status: criteria provided, multiple submitters, no conflicts (2 of 4 stars). 5 submissions from 5 submitters: Uncertain significance (4). 1 of the submissions does not count toward it. Last evaluated 2025-12-01.

Conditions:
IL6ST-related disorder. Also called: IL6ST-related condition.

Allele frequency attached by ClinVar (database versions not stated): gnomAD 0.00003 and 0.00004; gnomAD exomes 0.00004 and 0.00005; TOPMed 0.00005; ExAC 0.00007; ESP Exome Variant Server 0.00015.
gnomAD v4.1: 74 of 1,614,094 alleles (0.0046%); highest among the groups gnomAD compares: Middle Eastern, 0.033%; 1 homozygote.

Submissions (5):

Labcorp Genetics (formerly Invitae), Labcorp
Classification: Uncertain significance. Last evaluated: 2025-12-01. Review status: criteria provided, single submitter. Criteria: Invitae Variant Classification Sherloc (09022015). Collection method: clinical testing. Allele origin: germline.
Comment: This sequence change replaces aspartic acid, which is acidic and polar, with glutamic acid, which is acidic and polar, at codon 707 of the IL6ST protein (p.Asp707Glu). This variant is present in population databases (rs368730281, gnomAD 0.009%). This variant has not been reported in the literature in individuals affected with IL6ST-related conditions. ClinVar contains an entry for this variant (Variation ID: 1404918). An algorithm developed to predict the effect of missense changes on protein structure and function (PolyPhen-2) suggests that this variant is likely to be disruptive. In summary, the available evidence is currently insufficient to determine the role of this variant in disease. Therefore, it has been classified as a Variant of Uncertain Significance.

Revvity Omics, Revvity
Classification: Uncertain significance. Last evaluated: 2024-12-11. Review status: criteria provided, single submitter. Criteria: ACMG Guidelines, 2015. Collection method: clinical testing. Allele origin: germline.

Ambry Genetics
Classification: Uncertain significance. Last evaluated: 2024-08-07. Review status: criteria provided, single submitter. Criteria: Ambry Variant Classification Scheme 2023. Collection method: clinical testing. Allele origin: germline.

CeGaT Center for Human Genetics Tuebingen
Classification: Uncertain significance. Last evaluated: 2023-01-01. Review status: criteria provided, single submitter. Criteria: CeGaT Center For Human Genetics Tuebingen Variant Classification Criteria Version 2. Collection method: clinical testing. Allele origin: germline. Affected: yes. Observed: 1 variant allele.

PreventionGenetics, part of Exact Sciences
Classification: Uncertain significance for IL6ST-related condition. Last evaluated: 2024-03-25. Review status: no assertion criteria provided. Collection method: clinical testing. Allele origin: germline. Not counted in ClinVar's aggregate classification.
Comment: The IL6ST c.2121T>G variant is predicted to result in the amino acid substitution p.Asp707Glu. To our knowledge, this variant has not been reported in the literature. This variant is reported in 0.0093% of alleles in individuals of European (Non-Finnish) descent in gnomAD. At this time, the clinical significance of this variant is uncertain due to the absence of conclusive functional and genetic evidence.